The following is an entry in ClinVar:

ClinVar aggregate classification (germline): Uncertain significance. Review status: criteria provided, multiple submitters, no conflicts (2 of 4 stars). 4 submissions from 4 submitters: Uncertain significance (4). Last evaluated 2025-11-11.

Conditions:
Oligodontia-cancer predisposition syndrome. Also called: TOOTH AGENESIS-COLORECTAL CANCER SYNDROME. Identifiers: Orphanet 300576, MedGen C1837750, MONDO:0012075, OMIM 608615. Disease mechanism: loss of function.
Hereditary cancer-predisposing syndrome. Also called: Neoplastic Syndromes, Hereditary; Hereditary Cancer Syndrome; Tumor predisposition; Hereditary neoplastic syndrome. Identifiers: Orphanet 140162, MedGen C0027672, MeSH D009386, MONDO:0015356.
Colorectal cancer. Also called: Malignant Colorectal Neoplasm; Colorectal cancer, somatic. Identifiers: MedGen C0346629, MONDO:0005575, OMIM 114500.

Allele frequency attached by ClinVar (database versions not stated): gnomAD exomes below 0.00001 and 0.00001; gnomAD 0.00001; ExAC 0.00002; TOPMed 0.00002.
gnomAD v4.1: 6 of 1,614,018 alleles (0.00037%); highest among the groups gnomAD compares: East Asian, 0.0067%; no homozygotes.

Submissions (4):

Labcorp Genetics (formerly Invitae), Labcorp
Classification: Uncertain significance for Oligodontia-cancer predisposition syndrome. Last evaluated: 2025-11-11. Review status: criteria provided, single submitter. Criteria: Invitae Variant Classification Sherloc (09022015). Collection method: clinical testing. Allele origin: germline.
Comment: This sequence change replaces glutamine, which is neutral and polar, with glutamic acid, which is acidic and polar, at codon 334 of the AXIN2 protein (p.Gln334Glu). This variant is present in population databases (rs770254456, gnomAD 0.006%). This variant has not been reported in the literature in individuals affected with AXIN2-related conditions. ClinVar contains an entry for this variant (Variation ID: 573738). Invitae Evidence Modeling of protein sequence and biophysical properties (such as structural, functional, and spatial information, amino acid conservation, physicochemical variation, residue mobility, and thermodynamic stability) indicates that this missense variant is expected to disrupt AXIN2 protein function with a positive predictive value of 80%. In summary, the available evidence is currently insufficient to determine the role of this variant in disease. Therefore, it has been classified as a Variant of Uncertain Significance.

Ambry Genetics
Classification: Uncertain significance for Hereditary cancer-predisposing syndrome. Last evaluated: 2023-12-20. Review status: criteria provided, single submitter. Criteria: Ambry Variant Classification Scheme 2023. Collection method: clinical testing. Allele origin: germline.
Comment: The p.Q334E variant (also known as c.1000C>G), located in coding exon 3 of the AXIN2 gene, results from a C to G substitution at nucleotide position 1000. The glutamine at codon 334 is replaced by glutamic acid, an amino acid with highly similar properties. This amino acid position is conserved. In addition, the in silico prediction for this alteration is inconclusive. Since supporting evidence is limited at this time, the clinical significance of this alteration remains unclear.

Baylor Genetics
Classification: Uncertain significance for Colorectal cancer. Last evaluated: 2023-10-16. Review status: criteria provided, single submitter. Criteria: ACMG Guidelines, 2015. Collection method: clinical testing. Allele origin: unknown.

Illumina Laboratory Services, Illumina
Classification: Uncertain significance for Oligodontia-cancer predisposition syndrome. Last evaluated: 2018-01-13. Review status: criteria provided, single submitter. Criteria: ICSL Variant Classification Criteria 13 December 2019. Collection method: clinical testing. Allele origin: germline.

NM_004655.4(AXIN2):c.1000C>G (p.Gln334Glu)

Gene: AXIN2 (axin 2; minus strand). Cytogenetic location: 17q24.1.
Variant type: single nucleotide variant.
Coding change: c.1000C>G on transcript NM_004655.4 (MANE Select); coding-DNA position 1000, C replaced by G.
Protein change: p.Gln334Glu; replaces glutamine 334 with glutamic acid.
Molecular consequence: missense variant.
Genome position (GRCh38, 1-based): chr17:65,541,514, G>C on the plus strand (C>G on the coding strand, the complement: AXIN2 is on the minus strand). VCF-style: chr17-65541514-G-C. GRCh37 (hg19) VCF-style: chr17-63537632-G-C.
Other names: c.1000C>G (LRG_296t1); c.1000C>G, p.Gln334Glu (NM_001363813.1); short protein forms Q334E.
Identifiers: ClinVar variation 573738 (VCV000573738.13), dbSNP rs770254456, ClinGen allele CA8718901.